The following is an entry in ClinVar:

ClinVar aggregate classification (germline): Uncertain significance (1 of 4 stars; one submission).

Allele frequency attached by ClinVar (database versions not stated): gnomAD exomes below 0.00001; TOPMed below 0.00001; ExAC 0.00001.
gnomAD v4.1: 1 of 1,613,784 alleles (0.000062%); highest among the groups gnomAD compares: Non-Finnish European, 0.000085%; no homozygotes.

Submission:

Labcorp Genetics (formerly Invitae), Labcorp
Classification: Uncertain significance. Last evaluated: 2022-08-08. Review status: criteria provided, single submitter. Criteria: Invitae Variant Classification Sherloc (09022015). Collection method: clinical testing. Allele origin: germline.
Comment: This sequence change replaces isoleucine, which is neutral and non-polar, with valine, which is neutral and non-polar, at codon 18 of the LAT protein (p.Ile18Val). This variant is present in population databases (rs747938876, gnomAD 0.0009%). This variant has not been reported in the literature in individuals affected with LAT-related conditions. Algorithms developed to predict the effect of missense changes on protein structure and function output the following: SIFT: "Tolerated"; PolyPhen-2: "Benign"; Align-GVGD: "Class C0". The valine amino acid residue is found in multiple mammalian species, which suggests that this missense change does not adversely affect protein function. In summary, the available evidence is currently insufficient to determine the role of this variant in disease. Therefore, it has been classified as a Variant of Uncertain Significance.

NM_001014987.2(LAT):c.52A>G (p.Ile18Val)

Gene: LAT (linker for activation of T cells; plus strand). Cytogenetic location: 16p11.2.
Variant type: single nucleotide variant.
Coding change: c.52A>G on transcript NM_001014987.2 (MANE Select); coding-DNA position 52, A replaced by G.
Protein change: p.Ile18Val; replaces isoleucine 18 with valine.
Molecular consequence: missense variant.
Genome position (GRCh38, 1-based): chr16:28,985,469, A>G. VCF-style: chr16-28985469-A-G. GRCh37 (hg19) VCF-style: chr16-28996790-A-G.
Other names: c.52A>G, p.Ile18Val (NM_001014988.2, NM_014387.4); c.160A>G, p.Ile54Val (NM_001014989.2); short protein forms I18V, I54V.
Identifiers: ClinVar variation 2044101 (VCV002044101.1), dbSNP rs747938876, ClinGen allele CA7989798.